The following is an entry in ClinVar:

ClinVar aggregate classification (germline): Uncertain significance (1 of 4 stars; one submission).

Submission:

GeneDx
Classification: Uncertain significance. Last evaluated: 2023-04-30. Review status: criteria provided, single submitter. Criteria: GeneDx Variant Classification Process June 2021. Collection method: clinical testing. Allele origin: germline. Affected: yes.
Comment: Not observed at significant frequency in large population cohorts (gnomAD); In silico analysis supports that this missense variant has a deleterious effect on protein structure/function; Has not been previously published as pathogenic or benign to our knowledge

NM_001273.5(CHD4):c.5431C>A (p.Pro1811Thr)

Genes: CHD4 (chromodomain helicase DNA binding protein 4; minus strand), CHD4-AS1 (CHD4 antisense RNA 1; plus strand). Cytogenetic location: 12p13.31.
Variant type: single nucleotide variant.
Coding change: c.5431C>A on transcript NM_001273.5 (MANE Select); coding-DNA position 5431, C replaced by A.
Protein change: p.Pro1811Thr; replaces proline 1811 with threonine.
Molecular consequence: missense variant.
Genome position (GRCh38, 1-based): chr12:6,573,200, G>T on the plus strand (C>A on the coding strand, the complement: CHD4 is on the minus strand). VCF-style: chr12-6573200-G-T. GRCh37 (hg19) VCF-style: chr12-6682366-G-T.
Other names: c.5410C>A, p.Pro1804Thr (NM_001297553.2); c.5398C>A, p.Pro1800Thr (NM_001363606.2); short protein forms P1800T, P1804T, P1811T.
Identifiers: ClinVar variation 3343202 (VCV003343202.1).